The following is an entry in ClinVar:

ClinVar aggregate classification (germline): Conflicting classifications of pathogenicity. Review status: criteria provided, conflicting classifications (1 of 4 stars). 6 submissions from 6 submitters: Uncertain significance (1); Likely benign (4). 1 of the submissions does not count toward it. Last evaluated 2026-05-28.

Conditions:
Medium-chain acyl-coenzyme A dehydrogenase deficiency (ACADMD). Also called: MCADD; Medium chain acyl-CoA dehydrogenase deficiency; MCAD Deficiency; CARNITINE DEFICIENCY SECONDARY TO MEDIUM-CHAIN ACYL-CoA DEHYDROGENASE DEFICIENCY; ACADM DEFICIENCY; MCADH DEFICIENCY. Identifiers: Orphanet 42, MedGen C0220710, MONDO:0008721, OMIM 201450.
Inborn genetic diseases. Identifiers: MedGen C0950123, MeSH D030342.

Allele frequency attached by ClinVar (database versions not stated): gnomAD 0.00006 and 0.00010; TOPMed 0.00017.
gnomAD v4.1: 165 of 1,613,312 alleles (0.01%); highest among the groups gnomAD compares: Non-Finnish European, 0.012%; no homozygotes.

Submissions (6):

Ambry Genetics
Classification: Likely benign for Inborn genetic diseases. Last evaluated: 2026-05-28. Review status: criteria provided, single submitter. Criteria: Ambry Variant Classification Scheme 2023. Collection method: clinical testing. Allele origin: germline.

Labcorp Genetics (formerly Invitae), Labcorp
Classification: Likely benign for Medium-chain acyl-coenzyme A dehydrogenase deficiency. Last evaluated: 2025-12-27. Review status: criteria provided, single submitter. Criteria: Invitae Variant Classification Sherloc (09022015). Collection method: clinical testing. Allele origin: germline.

CeGaT Center for Human Genetics Tuebingen
Classification: Likely benign. Last evaluated: 2022-06-01. Review status: criteria provided, single submitter. Criteria: CeGaT Center For Human Genetics Tuebingen Variant Classification Criteria Version 2. Collection method: clinical testing. Allele origin: germline. Affected: yes. Observed: 1 variant allele.
Comment: ACADM: BP4, BP7

GeneDx
Classification: Likely benign. Last evaluated: 2020-02-17. Review status: criteria provided, single submitter. Criteria: GeneDx Variant Classification Process June 2021. Collection method: clinical testing. Allele origin: germline. Affected: yes.

Illumina Laboratory Services, Illumina
Classification: Uncertain significance for Medium-chain acyl-coenzyme A dehydrogenase deficiency. Last evaluated: 2018-01-13. Review status: criteria provided, single submitter. Criteria: ICSL Variant Classification Criteria 13 December 2019. Collection method: clinical testing. Allele origin: germline.

Natera, Inc.
Classification: Uncertain significance for Medium-chain acyl-coenzyme a dehydrogenase deficiency. Last evaluated: 2017-11-21. Review status: no assertion criteria provided. Collection method: clinical testing. Allele origin: germline. Not counted in ClinVar's aggregate classification.

NM_000016.6(ACADM):c.210T>G (p.Thr70=)

Gene: ACADM (acyl-CoA dehydrogenase medium chain; plus strand). Cytogenetic location: 1p31.1.
Variant type: single nucleotide variant.
Coding change: c.210T>G on transcript NM_000016.6 (MANE Select); coding-DNA position 210, T replaced by G.
Protein change: p.Thr70=; no amino-acid change (threonine 70 retained).
Molecular consequence: synonymous variant. On other transcripts: 5 prime UTR variant (1).
Genome position (GRCh38, 1-based): chr1:75,732,735, T>G. VCF-style: chr1-75732735-T-G. GRCh37 (hg19) VCF-style: chr1-76198420-T-G.
Other names: c.222T>G, p.Thr74= (NM_001127328.3); c.102T>G, p.Thr34= (NM_001286042.2); c.210T>G, p.Thr70= (NM_001286043.2); c.-176T>G (NM_001286044.2).
Identifiers: ClinVar variation 384767 (VCV000384767.44), dbSNP rs778891510, ClinGen allele CA912982.